The following is an entry in ClinVar:

ClinVar aggregate classification (germline): Uncertain significance (1 of 4 stars; one submission).

Conditions:
Inborn genetic diseases. Identifiers: MedGen C0950123, MeSH D030342.

Submission:

Ambry Genetics
Classification: Uncertain significance for Inborn genetic diseases. Last evaluated: 2024-10-15. Review status: criteria provided, single submitter. Criteria: Ambry Variant Classification Scheme 2023. Collection method: clinical testing. Allele origin: germline.
Comment: The c.226G>C (p.E76Q) alteration is located in exon 3 (coding exon 3) of the JARID2 gene. This alteration results from a G to C substitution at nucleotide position 226, causing the glutamic acid (E) at amino acid position 76 to be replaced by a glutamine (Q). This variant was not reported in population-based cohorts in the Genome Aggregation Database (gnomAD). This amino acid position is highly conserved in available vertebrate species. The in silico prediction for this alteration is inconclusive. Based on insufficient or conflicting evidence, the clinical significance of this alteration remains unclear.

NM_004973.4(JARID2):c.226G>C (p.Glu76Gln)

Gene: JARID2 (jumonji and AT-rich interaction domain containing 2; plus strand). Cytogenetic location: 6p22.3.
Variant type: single nucleotide variant.
Coding change: c.226G>C on transcript NM_004973.4 (MANE Select); coding-DNA position 226, G replaced by C.
Protein change: p.Glu76Gln; replaces glutamic acid 76 with glutamine.
Molecular consequence: missense variant. On other transcripts: 5 prime UTR variant (1).
Genome position (GRCh38, 1-based): chr6:15,410,268, G>C. VCF-style: chr6-15410268-G-C. GRCh37 (hg19) VCF-style: chr6-15410499-G-C.
Other names: c.-291G>C (NM_001267040.1); short protein forms E76Q.
Identifiers: ClinVar variation 3531326 (VCV003531326.1).